The following is an entry in ClinVar:

NM_002906.4(RDX):c.471A>G (p.Val157=)

Gene: RDX (radixin; minus strand). Cytogenetic location: 11q22.3.
Variant type: single nucleotide variant.
Coding change: c.471A>G on transcript NM_002906.4 (MANE Select); coding-DNA position 471, A replaced by G.
Protein change: p.Val157=; no amino-acid change (valine 157 retained).
Molecular consequence: synonymous variant. On other transcripts: intron variant (1).
Genome position (GRCh38, 1-based): chr11:110,258,186, T>C on the plus strand (A>G on the coding strand, the complement: RDX is on the minus strand). VCF-style: chr11-110258186-T-C. GRCh37 (hg19) VCF-style: chr11-110128911-T-C.
Other names: c.471A>G, p.Val157= (NM_001260492.2, NM_001260493.2); c.63A>G, p.Val21= (NM_001260494.2); c.375A>G, p.Val125= (NM_001260496.2); c.-82-10353A>G (NM_001260495.2).
Identifiers: ClinVar variation 227900 (VCV000227900.13), dbSNP rs376917034, ClinGen allele CA6270297.
Genomic context (GRCh38, chr11:110,258,186, plus strand): 5'-TTCATGCCAGTTCTGTATTCTTTCTTCCCACTGTTCTTTTGTTAGTTTGTGTTGTTCCAA[T>C]ACACTAAGAGGACCAAAAAAAAAAAAAAATTATAATGACTTTAAGATTCAAAAGCATACA-3'
Protein context (NP_002897.1, residues 147-167): LANDRLLPQR[Val157=]LEQHKLTKEQ

ClinVar aggregate classification (germline): Likely benign. Review status: criteria provided, multiple submitters, no conflicts (2 of 4 stars). 4 submissions from 4 submitters: Likely benign (4). Last evaluated 2023-11-14.

Conditions:
Autosomal recessive nonsyndromic hearing loss 24. Identifiers: Orphanet 90636, MedGen C1970239, MONDO:0012602, OMIM 611022.

Allele frequency attached by ClinVar (database versions not stated): ESP Exome Variant Server 0.00008; gnomAD 0.00010 and 0.00011; TOPMed 0.00015.
gnomAD v4.1: 314 of 1,581,950 alleles (0.02%); highest among the groups gnomAD compares: Non-Finnish European, 0.024%; no homozygotes.

Submissions (4):

Labcorp Genetics (formerly Invitae), Labcorp
Classification: Likely benign. Last evaluated: 2023-11-14. Review status: criteria provided, single submitter. Criteria: Invitae Variant Classification Sherloc (09022015). Collection method: clinical testing. Allele origin: germline.

Fulgent Genetics
Classification: Likely benign for Autosomal recessive nonsyndromic hearing loss 24. Last evaluated: 2021-07-08. Review status: criteria provided, single submitter. Criteria: ACMG Guidelines, 2015. Collection method: clinical testing. Allele origin: unknown.

GeneDx
Classification: Likely benign. Last evaluated: 2020-04-01. Review status: criteria provided, single submitter. Criteria: GeneDx Variant Classification Process June 2021. Collection method: clinical testing. Allele origin: germline. Affected: yes.

Laboratory for Molecular Medicine, Mass General Brigham Personalized Medicine
Classification: Likely benign. Last evaluated: 2015-02-18. Review status: criteria provided, single submitter. Criteria: LMM Criteria. Collection method: clinical testing. Allele origin: germline. Observed: 1 variant allele.
Comment: p.Val157Val in exon 6 of RDX: This variant is not expected to have clinical sign ificance because it does not alter an amino acid residue and is not located with in the splice consensus sequence. It has been identified in 45/66166 European ch romosomes by the Exome Aggregation Consortium (ExAC. org; dbSNP rs148223897).